The following is an entry in ClinVar:

NM_181861.2(APAF1):c.2952C>T (p.Ala984=)

Gene: APAF1 (apoptotic peptidase activating factor 1; plus strand). Cytogenetic location: 12q23.1.
Variant type: single nucleotide variant.
Coding change: c.2952C>T on transcript NM_181861.2 (MANE Select); coding-DNA position 2952, C replaced by T.
Protein change: p.Ala984=; no amino-acid change (alanine 984 retained).
Molecular consequence: synonymous variant. On other transcripts: intron variant (1).
Genome position (GRCh38, 1-based): chr12:98,712,429, C>T. VCF-style: chr12-98712429-C-T. GRCh37 (hg19) VCF-style: chr12-99106207-C-T.
Other names: c.2790C>T, p.Ala930= (NM_001160.3); c.2919C>T, p.Ala973= (NM_013229.3); c.2823C>T, p.Ala941= (NM_181868.2); c.956-19991C>T (NM_181869.2).
Identifiers: ClinVar variation 3034694 (VCV003034694.2), dbSNP rs148854272, ClinGen allele CA6734390.

ClinVar aggregate classification (germline): Benign (0 of 4 stars; one submission).

Conditions:
APAF1-related disorder. Also called: APAF1-related condition.

Allele frequency attached by ClinVar (database versions not stated): gnomAD exomes 0.00018; ExAC 0.00058; 1000 Genomes Project 0.00160; ESP Exome Variant Server 0.00169; 1000 Genomes Project 30x 0.00172; gnomAD 0.00184; TOPMed 0.00226.
gnomAD v4.1: 546 of 1,566,434 alleles (0.035%); highest among the groups gnomAD compares: African/African-American, 0.67%; 1 homozygote.

Submission:

PreventionGenetics, part of Exact Sciences
Classification: Benign for APAF1-related condition. Last evaluated: 2019-08-05. Review status: no assertion criteria provided. Collection method: clinical testing. Allele origin: germline.
Comment: This variant is classified as benign based on ACMG/AMP sequence variant interpretation guidelines (Richards et al. 2015 PMID: 25741868, with internal and published modifications).